The following is an entry in ClinVar:

ClinVar aggregate classification (germline): Uncertain significance (1 of 4 stars; one submission).

gnomAD v4.1: 3 of 1,613,996 alleles (0.00019%); highest among the groups gnomAD compares: African/African-American, 0.0013%; no homozygotes.

Submission:

Dasa
Classification: Uncertain significance. Last evaluated: 2024-12-28. Review status: criteria provided, single submitter. Criteria: DASA Assertion Criteria. Collection method: clinical testing. Allele origin: germline.
Comment: NM_022841.7(RFX7):c.2414T>C (p.Met805Thr) is a missense variant that results in the substitution of methionine with threonine. This variant is rare in population databases. Computational prediction algorithms are consistent with a benign effect. The currently available literature and clinical evidence are not sufficient to establish a definitive association between this variant and the reported condition. Therefore, this variant is classified as a variant of uncertain significance.

NM_022841.7(RFX7):c.2414T>C (p.Met805Thr)

Gene: RFX7 (regulatory factor X7; minus strand). Cytogenetic location: 15q21.3.
Variant type: single nucleotide variant.
Coding change: c.2414T>C on transcript NM_022841.7 (MANE Select); coding-DNA position 2414, T replaced by C.
Protein change: p.Met805Thr; replaces methionine 805 with threonine.
Molecular consequence: missense variant.
Genome position (GRCh38, 1-based): chr15:56,095,314, A>G on the plus strand (T>C on the coding strand, the complement: RFX7 is on the minus strand). VCF-style: chr15-56095314-A-G. GRCh37 (hg19) VCF-style: chr15-56387512-A-G.
Other names: c.2123T>C, p.Met708Thr (NM_001368073.2, NM_001368074.1, NM_001370554.1); c.2414T>C, p.Met805Thr (NM_001370561.1); short protein forms M708T, M805T.
Identifiers: ClinVar variation 4883127 (VCV004883127.2).